The following is an entry in ClinVar:

ClinVar aggregate classification (germline): Uncertain significance (1 of 4 stars; one submission).

Conditions:
Hereditary cancer-predisposing syndrome. Also called: Neoplastic Syndromes, Hereditary; Tumor predisposition; Hereditary Cancer Syndrome; Hereditary neoplastic syndrome. Identifiers: Orphanet 140162, MedGen C0027672, MeSH D009386, MONDO:0015356.

Allele frequency attached by ClinVar (database versions not stated): gnomAD exomes below 0.00001.

Submission:

Color Diagnostics, LLC DBA Color Health
Classification: Uncertain significance for Hereditary cancer-predisposing syndrome. Last evaluated: 2022-03-06. Review status: criteria provided, single submitter. Criteria: ACMG Guidelines, 2015. Collection method: clinical testing. Allele origin: germline.
Comment: This variant causes a C to A nucleotide substitution at the -14 position of intron 8 of the CHEK2 gene. To our knowledge, functional studies have not been reported for this variant. This variant has not been reported in individuals affected with hereditary cancer in the literature. This variant has not been identified in the general population by the Genome Aggregation Database (gnomAD). The available evidence is insufficient to determine the role of this variant in disease conclusively. Therefore, this variant is classified as a Variant of Uncertain Significance.

NM_007194.4(CHEK2):c.909-14C>A

Gene: CHEK2 (checkpoint kinase 2; minus strand). Cytogenetic location: 22q12.1.
Variant type: single nucleotide variant.
Coding change: c.909-14C>A on transcript NM_007194.4 (MANE Select); 14 bases into the intron before coding-DNA position 909, C replaced by A.
Molecular consequence: intron variant.
Genome position (GRCh38, 1-based): chr22:28,699,951, G>T on the plus strand (C>A on the coding strand, the complement: CHEK2 is on the minus strand). VCF-style: chr22-28699951-G-T. GRCh37 (hg19) VCF-style: chr22-29095939-G-T.
Other names: c.1002-14C>A (NM_001438295.1, NM_001438293.1); c.1038-14C>A (NM_001438294.1, NM_001005735.3); c.246-14C>A (NM_001437942.1, NM_001257387.3); c.708-14C>A (NM_001349956.3); c.909-14C>A (NM_145862.3).
Identifiers: ClinVar variation 2775070 (VCV002775070.1), dbSNP rs2145845553, ClinGen allele CA2577675977.
Genomic context (GRCh38, chr22:28,699,951, plus strand): 5'-GGCGTTTATTCCCCACCACTTTGTCAAACAGCTCTCCCCCTTCCATCCTGAAACACAAAG[G>T]CAAGGCAAGGGGTTCATTCCTGGGGGAAAACGCACTTGGACAGAAGACAATAAAACAACA-3'